The following is an entry in ClinVar:

NM_000321.3(RB1):c.986_989del (p.Lys329fs)

Gene: RB1 (RB transcriptional corepressor 1; plus strand). Cytogenetic location: 13q14.2.
Variant type: Deletion.
Coding change: c.986_989del on transcript NM_000321.3 (MANE Select); coding-DNA positions 986 to 989, 4 bases deleted (AAGA; older notation c.986_989delAAGA).
Protein change: p.Lys329fs; shifts the reading frame from lysine 329.
Molecular consequence: frameshift variant.
Genome position (GRCh38, 1-based): chr13:48,367,540-48,367,543, AAGA deleted; deleting any 4 consecutive bases within chr13:48,367,539-48,367,543 gives the same sequence; the c. name uses the placement nearest the transcript's 3' end. VCF-style (leftmost placement, unchanged base first): chr13-48367538-TAAAG-T. GRCh37 (hg19) VCF-style: chr13-48941674-TAAAG-T.
Other names: c.986_989del, p.Lys329fs (NM_001407165.1, NM_001407166.1); short protein forms K329fs.
Identifiers: ClinVar variation 3236945 (VCV003236945.1), dbSNP rs2542188523.

ClinVar aggregate classification (germline): Pathogenic (1 of 4 stars; one submission).

Conditions:
Retinoblastoma (RB1). Also called: RETINOBLASTOMA, SOMATIC. Identifiers: Orphanet 790, MedGen C0035335, MeSH D012175, MONDO:0008380, OMIM 180200, HP:0009919. Disease mechanism: loss of function. Inheritance: Both sporadic and heritable forms are tested..

Submission:

Genetic Diagnostic Laboratory, University of Pennsylvania School of Medicine
Classification: Pathogenic for Retinoblastoma. Last evaluated: 2024-05-20. Review status: criteria provided, single submitter. Criteria: ACMG Guidelines, 2015. Collection method: clinical testing. Allele origin: germline. Affected: yes. Observed: 1 variant allele.
Comment: Case and Pedigree Information: BILATERAL CASES:1, UNILATERAL CASES:0, TOTAL CASES:1, PEDIGREES:1. ACMG Codes Applied:PVS1, PM2